The following is an entry in ClinVar:

ClinVar aggregate classification (germline): Pathogenic (1 of 4 stars; one submission).

Conditions:
Breast-ovarian cancer, familial, susceptibility to, 3. Also called: RAD51C-Related Breast/Ovarian Cancer. Identifiers: Orphanet 145, MedGen C3150659, MONDO:0013253, OMIM 613399.

Submission:

Myriad Genetics, Inc.
Classification: Pathogenic for Breast-ovarian cancer, familial, susceptibility to, 3. Last evaluated: 2024-01-02. Review status: criteria provided, single submitter. Criteria: Myriad Autosomal Dominant, Autosomal Recessive and X-Linked Classification Criteria (2023). Collection method: clinical testing. Allele origin: unknown.
Comment: This variant is considered pathogenic. This variant creates a termination codon and is predicted to result in premature protein truncation.

NM_058216.3(RAD51C):c.242C>G (p.Ser81Ter)

Gene: RAD51C (RAD51 paralog C; plus strand). Cytogenetic location: 17q22.
Variant type: single nucleotide variant.
Coding change: c.242C>G on transcript NM_058216.3 (MANE Select); coding-DNA position 242, C replaced by G.
Protein change: p.Ser81Ter; replaces serine 81 with a stop codon.
Molecular consequence: nonsense. On other transcripts: non-coding transcript variant (2).
Genome position (GRCh38, 1-based): chr17:58,695,027, C>G. VCF-style: chr17-58695027-C-G. GRCh37 (hg19) VCF-style: chr17-56772388-C-G.
Other names: c.242C>G, p.Ser81Ter (NM_002876.4, NM_058217.1); short protein forms S81*.
Identifiers: ClinVar variation 3148426 (VCV003148426.1), dbSNP rs1555593587, ClinGen allele CA400340323.